The following is an entry in ClinVar:

ClinVar aggregate classification (germline): Conflicting classifications of pathogenicity. Review status: criteria provided, conflicting classifications (1 of 4 stars). 5 submissions from 5 submitters: Likely pathogenic (1); Uncertain significance (4). Last evaluated 2022-10-25.

Conditions:
Inborn genetic diseases. Identifiers: MedGen C0950123, MeSH D030342.
Neonatal diabetes mellitus with congenital hypothyroidism. Also called: NDH SYNDROME. Identifiers: Orphanet 79118, MedGen C1857775, MONDO:0012436, OMIM 610199.

Allele frequency attached by ClinVar (database versions not stated): gnomAD below 0.00001 and 0.00002; TOPMed 0.00002; gnomAD exomes 0.00007 and 0.00013; ExAC 0.00014.
gnomAD v4.1: 107 of 1,613,950 alleles (0.0066%); highest among the groups gnomAD compares: South Asian, 0.11%; 1 homozygote.

Submissions (5):

GeneDx
Classification: Uncertain significance. Last evaluated: 2022-10-25. Review status: criteria provided, single submitter. Criteria: GeneDx Variant Classification Process June 2021. Collection method: clinical testing. Allele origin: germline. Affected: yes.
Comment: In silico analysis supports that this missense variant does not alter protein structure/function; Has not been previously published as pathogenic or benign to our knowledge

Fulgent Genetics
Classification: Uncertain significance for Neonatal diabetes mellitus with congenital hypothyroidism. Last evaluated: 2022-05-09. Review status: criteria provided, single submitter. Criteria: ACMG Guidelines, 2015. Collection method: clinical testing. Allele origin: unknown.

Ambry Genetics
Classification: Uncertain significance for Inborn genetic diseases. Last evaluated: 2021-10-26. Review status: criteria provided, single submitter. Criteria: Ambry Variant Classification Scheme 2023. Collection method: clinical testing. Allele origin: germline.

Illumina Laboratory Services, Illumina
Classification: Uncertain significance for Neonatal diabetes mellitus with congenital hypothyroidism. Last evaluated: 2018-01-12. Review status: criteria provided, single submitter. Criteria: ICSL Variant Classification Criteria 13 December 2019. Collection method: clinical testing. Allele origin: germline.

Kasturba Medical College, Manipal, Kasturba Medical College, Manipal, Manipal Academy of Higher Education, Manipal, India
Classification: Likely pathogenic for Neonatal diabetes mellitus with congenital hypothyroidism. Review status: criteria provided, single submitter. Criteria: ACMG Guidelines, 2015. Collection method: research. Allele origin: unknown. Inheritance: Autosomal recessive inheritance. Affected: yes.
Comment: The father’s sample was not available for testing. The variant is present in 107 individuals in heterozygous state and one in homozygous state in gnomAD (v4.1.0). This variant is present in nine individuals in heterozygous state and absent in homozygous state in our in-house database of 3274 exomes. In silico prediction tools (MutationTaster and CADD_phred) have predicted the variant to be damaging to GLIS3 protein function. Biallelic variants in GLIS3 are known to cause diabetes mellitus, neonatal, with congenital hypothyroidism.

NM_001042413.2(GLIS3):c.2323C>T (p.His775Tyr)

Gene: GLIS3 (GLIS family zinc finger 3; minus strand). Cytogenetic location: 9p24.2.
Variant type: single nucleotide variant.
Coding change: c.2323C>T on transcript NM_001042413.2 (MANE Select); coding-DNA position 2323, C replaced by T.
Protein change: p.His775Tyr; replaces histidine 775 with tyrosine.
Molecular consequence: missense variant.
Genome position (GRCh38, 1-based): chr9:3,856,159, G>A on the plus strand (C>T on the coding strand, the complement: GLIS3 is on the minus strand). VCF-style: chr9-3856159-G-A. GRCh37 (hg19) VCF-style: chr9-3856159-G-A.
Other names: c.1858C>T, p.His620Tyr (NM_152629.4); short protein forms H775Y, H620Y.
Identifiers: ClinVar variation 366954 (VCV000366954.10), dbSNP rs745671153, ClinGen allele CA4967831.